The following is an entry in ClinVar:

NM_001375405.1(CEP120):c.2504A>G (p.Glu835Gly)

Gene: CEP120 (centrosomal protein 120; minus strand). Cytogenetic location: 5q23.2.
Variant type: single nucleotide variant.
Coding change: c.2504A>G on transcript NM_001375405.1 (MANE Select); coding-DNA position 2504, A replaced by G.
Protein change: p.Glu835Gly; replaces glutamic acid 835 with glycine.
Molecular consequence: missense variant. On other transcripts: non-coding transcript variant (1).
Genome position (GRCh38, 1-based): chr5:123,364,572, T>C on the plus strand (A>G on the coding strand, the complement: CEP120 is on the minus strand). VCF-style: chr5-123364572-T-C. GRCh37 (hg19) VCF-style: chr5-122700266-T-C.
Other names: c.2426A>G, p.Glu809Gly (NM_001166226.2); c.2369A>G, p.Glu790Gly (NM_001375406.1); c.2504A>G, p.Glu835Gly (NM_001375407.1, NM_153223.4); c.1931A>G, p.Glu644Gly (NM_001375408.1, NM_001375409.1); short protein forms E809G, E644G, E790G, E835G.
Identifiers: ClinVar variation 4737821 (VCV004737821.1).

ClinVar aggregate classification (germline): Uncertain significance (1 of 4 stars; one submission).

Conditions:
Short-rib thoracic dysplasia 13 with or without polydactyly (SRTD13). Identifiers: Orphanet 474, MedGen C4225378, MONDO:0014577, OMIM 616300.

gnomAD v4.1: 1 of 1,605,386 alleles (0.000062%); highest among the groups gnomAD compares: Non-Finnish European, 0.000085%; no homozygotes.

Submission:

Labcorp Genetics (formerly Invitae), Labcorp
Classification: Uncertain significance for Short-rib thoracic dysplasia 13 with or without polydactyly. Last evaluated: 2025-12-06. Review status: criteria provided, single submitter. Criteria: Invitae Variant Classification Sherloc (09022015). Collection method: clinical testing. Allele origin: germline.
Comment: This sequence change replaces glutamic acid, which is acidic and polar, with glycine, which is neutral and non-polar, at codon 835 of the CEP120 protein (p.Glu835Gly). This variant is present in population databases (no rsID available, gnomAD 0.007%). This variant has not been reported in the literature in individuals affected with CEP120-related conditions. Invitae Evidence Modeling of protein sequence and biophysical properties (such as structural, functional, and spatial information, amino acid conservation, physicochemical variation, residue mobility, and thermodynamic stability) indicates that this missense variant is expected to disrupt CEP120 protein function with a positive predictive value of 80%. In summary, the available evidence is currently insufficient to determine the role of this variant in disease. Therefore, it has been classified as a Variant of Uncertain Significance.